The following is an entry in ClinVar:

ClinVar aggregate classification (germline): Uncertain significance. Review status: criteria provided, multiple submitters, no conflicts (2 of 4 stars). 2 submissions from 2 submitters: Uncertain significance (2). Last evaluated 2025-09-26.

Conditions:
Inborn genetic diseases. Identifiers: MedGen C0950123, MeSH D030342.

Submissions (2):

Ambry Genetics
Classification: Uncertain significance for Inborn genetic diseases. Last evaluated: 2025-09-26. Review status: criteria provided, single submitter. Criteria: Ambry Variant Classification Scheme 2023. Collection method: clinical testing. Allele origin: germline.

Labcorp Genetics (formerly Invitae), Labcorp
Classification: Uncertain significance. Last evaluated: 2024-03-28. Review status: criteria provided, single submitter. Criteria: Invitae Variant Classification Sherloc (09022015). Collection method: clinical testing. Allele origin: germline.
Comment: This sequence change replaces histidine, which is basic and polar, with glutamine, which is neutral and polar, at codon 729 of the ERCC2 protein (p.His729Gln). This variant is not present in population databases (gnomAD no frequency). This variant has not been reported in the literature in individuals affected with ERCC2-related conditions. ClinVar contains an entry for this variant (Variation ID: 2586770). Advanced modeling of protein sequence and biophysical properties (such as structural, functional, and spatial information, amino acid conservation, physicochemical variation, residue mobility, and thermodynamic stability) has been performed at Invitae for this missense variant, however the output from this modeling did not meet the statistical confidence thresholds required to predict the impact of this variant on ERCC2 protein function. In summary, the available evidence is currently insufficient to determine the role of this variant in disease. Therefore, it has been classified as a Variant of Uncertain Significance.

NM_000400.4(ERCC2):c.2187C>G (p.His729Gln)

Gene: ERCC2 (ERCC excision repair 2, TFIIH core complex helicase subunit; minus strand). Cytogenetic location: 19q13.32.
Variant type: single nucleotide variant.
Coding change: c.2187C>G on transcript NM_000400.4 (MANE Select); coding-DNA position 2187, C replaced by G.
Protein change: p.His729Gln; replaces histidine 729 with glutamine.
Molecular consequence: missense variant.
Genome position (GRCh38, 1-based): chr19:45,352,212, G>C on the plus strand (C>G on the coding strand, the complement: ERCC2 is on the minus strand). VCF-style: chr19-45352212-G-C. GRCh37 (hg19) VCF-style: chr19-45855470-G-C.
Other names: short protein forms H729Q.
Identifiers: ClinVar variation 2586770 (VCV002586770.5), dbSNP rs1453079482, ClinGen allele CA406360838.